The following is an entry in ClinVar:

ClinVar aggregate classification (germline): Likely benign. Review status: criteria provided, multiple submitters, no conflicts (2 of 4 stars). 3 submissions from 3 submitters: Likely benign (3). Last evaluated 2025-07-08.

Conditions:
Tuberous sclerosis 2 (TSC2). Identifiers: Orphanet 805, MedGen C1860707, MONDO:0013199, OMIM 613254.

Allele frequency attached by ClinVar (database versions not stated): gnomAD 0.00001.
gnomAD v4.1: 4 of 1,612,762 alleles (0.00025%); highest among the groups gnomAD compares: African/African-American, 0.0013%; no homozygotes.

Submissions (3):

Labcorp Genetics (formerly Invitae), Labcorp
Classification: Likely benign for Tuberous sclerosis 2. Last evaluated: 2025-07-08. Review status: criteria provided, single submitter. Criteria: Invitae Variant Classification Sherloc (09022015). Collection method: clinical testing. Allele origin: germline.

Myriad Genetics, Inc.
Classification: Likely benign for Tuberous sclerosis 2. Last evaluated: 2025-05-27. Review status: criteria provided, single submitter. Criteria: Myriad Autosomal Dominant, Autosomal Recessive and X-Linked Classification Criteria (2023). Collection method: clinical testing. Allele origin: unknown.
Comment: This variant is considered likely benign. This variant is intronic and is not expected to impact mRNA splicing.

Women's Health and Genetics/Laboratory Corporation of America, LabCorp
Classification: Likely benign. Last evaluated: 2024-12-03. Review status: criteria provided, single submitter. Criteria: LabCorp Variant Classification Summary - May 2015. Collection method: clinical testing. Allele origin: germline.

NM_000548.5(TSC2):c.2837+10G>A

Gene: TSC2 (TSC complex subunit 2; plus strand). Cytogenetic location: 16p13.3.
Variant type: single nucleotide variant.
Coding change: c.2837+10G>A on transcript NM_000548.5 (MANE Select); 10 bases into the intron after coding-DNA position 2837, G replaced by A.
Molecular consequence: intron variant.
Genome position (GRCh38, 1-based): chr16:2,076,595, G>A. VCF-style: chr16-2076595-G-A. GRCh37 (hg19) VCF-style: chr16-2126596-G-A.
Other names: c.2837+10G>A (NM_001114382.3, NM_021055.3, NM_001370405.1 and 3 more transcripts); c.2726+10G>A (NM_001318827.2); c.2237+10G>A (NM_001318831.2); c.2690+10G>A (NM_001318829.2); c.2870+10G>A (NM_001318832.2).
Identifiers: ClinVar variation 1122967 (VCV001122967.11), dbSNP rs1232454175, ClinGen allele CA620376810.